The following is an entry in ClinVar:

ClinVar aggregate classification (germline): Uncertain significance (1 of 4 stars; one submission).

Submission:

GeneDx
Classification: Uncertain significance. Last evaluated: 2025-02-24. Review status: criteria provided, single submitter. Criteria: GeneDx Variant Classification Process June 2021. Collection method: clinical testing. Allele origin: germline. Affected: yes.
Comment: In silico analysis supports that this missense variant has a deleterious effect on protein structure/function; Has not been previously published as pathogenic or benign to our knowledge

NM_001297595.2(SIN3B):c.2515A>G (p.Thr839Ala)

Gene: SIN3B (SIN3 transcription regulator family member B; plus strand). Cytogenetic location: 19p13.11.
Variant type: single nucleotide variant.
Coding change: c.2515A>G on transcript NM_001297595.2 (MANE Select); coding-DNA position 2515, A replaced by G.
Protein change: p.Thr839Ala; replaces threonine 839 with alanine.
Molecular consequence: missense variant.
Genome position (GRCh38, 1-based): chr19:16,871,321, A>G. VCF-style: chr19-16871321-A-G. GRCh37 (hg19) VCF-style: chr19-16982132-A-G.
Other names: c.1285A>G, p.Thr429Ala (NM_001297597.2); c.2611A>G, p.Thr871Ala (NM_015260.4); short protein forms T429A, T839A, T871A.
Identifiers: ClinVar variation 4076640 (VCV004076640.1).